The following is an entry in ClinVar:

ClinVar aggregate classification (germline): Conflicting classifications of pathogenicity. Review status: criteria provided, conflicting classifications (1 of 4 stars). 3 submissions from 3 submitters: Uncertain significance (1); Likely benign (1). 1 of the submissions does not count toward it. Last evaluated 2025-09-20.

Conditions:
Cardiovascular phenotype. Identifiers: MedGen CN230736.
Alstrom syndrome (ALMS). Identifiers: Orphanet 64, MedGen C0268425, MONDO:0008763, OMIM 203800.

Allele frequency attached by ClinVar (database versions not stated): gnomAD exomes below 0.00001 and 0.00001; ExAC 0.00001; gnomAD 0.00001; TOPMed 0.00002.
gnomAD v4.1: 12 of 1,613,668 alleles (0.00074%); highest among the groups gnomAD compares: Non-Finnish European, 0.001%; no homozygotes.

Submissions (3):

Labcorp Genetics (formerly Invitae), Labcorp
Classification: Likely benign for Alstrom syndrome. Last evaluated: 2025-09-20. Review status: criteria provided, single submitter. Criteria: Invitae Variant Classification Sherloc (09022015). Collection method: clinical testing. Allele origin: germline.

Ambry Genetics
Classification: Uncertain significance for Cardiovascular phenotype. Last evaluated: 2023-01-18. Review status: criteria provided, single submitter. Criteria: Ambry Variant Classification Scheme 2023. Collection method: clinical testing. Allele origin: germline.
Comment: The c.10217-5C>T intronic variant results from a C to T substitution 5 nucleotides upstream from coding exon 15 in the ALMS1 gene. This nucleotide position is well conserved in available vertebrate species. In silico splice site analysis predicts that this alteration will not have any significant effect on splicing. Since supporting evidence is limited at this time, the clinical significance of this alteration remains unclear.

Counsyl
Classification: Uncertain significance for Alstrom syndrome. Last evaluated: 2017-08-21. Review status: no assertion criteria provided. Collection method: clinical testing. Allele origin: unknown. Not counted in ClinVar's aggregate classification.

NM_001378454.1(ALMS1):c.10214-5C>T

Gene: ALMS1 (ALMS1 centrosome and basal body associated protein; plus strand). Cytogenetic location: 2p13.1.
Variant type: single nucleotide variant.
Coding change: c.10214-5C>T on transcript NM_001378454.1 (MANE Select); 5 bases into the intron before coding-DNA position 10214, C replaced by T.
Molecular consequence: intron variant.
Genome position (GRCh38, 1-based): chr2:73,558,967, C>T. VCF-style: chr2-73558967-C-T. GRCh37 (hg19) VCF-style: chr2-73786094-C-T.
Other names: c.10217-5C>T (NM_015120.4); c.10214-5C>T (NM_015120.4).
Identifiers: ClinVar variation 553447 (VCV000553447.11), dbSNP rs751591632, ClinGen allele CA1714936.
Genomic context (GRCh38, chr2:73,558,967, plus strand): 5'-GAGACATTTAAAAATCTTTTATGTCAAGTTCCTGTCTGTATAGTGTGTTAATTTCCCTTT[C>T]GTAGATTCCAGTGCTGCTGCTGCTGCAGAGCACTCAGCTCAAGTAGGAGACCCAGAAATG-3'